The following is an entry in ClinVar:

ClinVar aggregate classification (germline): Conflicting classifications of pathogenicity. Review status: criteria provided, conflicting classifications (1 of 4 stars). 2 submissions from 2 submitters: Uncertain significance (1); Likely benign (1). Last evaluated 2023-03-23.

Conditions:
Hereditary cancer-predisposing syndrome. Also called: Neoplastic Syndromes, Hereditary; Tumor predisposition; Hereditary Cancer Syndrome; Hereditary neoplastic syndrome. Identifiers: Orphanet 140162, MedGen C0027672, MeSH D009386, MONDO:0015356.

Submissions (2):

University of Washington Department of Laboratory Medicine, University of Washington
Classification: Likely benign for Hereditary cancer-predisposing syndrome. Last evaluated: 2023-03-23. Review status: criteria provided, single submitter. Criteria: Dines et al. (Genet Med. 2020). Collection method: curation. Allele origin: germline.
Comment: Missense variant in a coldspot region where missense variants are very unlikely to be pathogenic (PMID:31911673).

BRCA1 coldspot (exon 11 using historical exon numbering). Reclassification based on statistical prior probability

Color Diagnostics, LLC DBA Color Health
Classification: Uncertain significance for Hereditary cancer-predisposing syndrome. Last evaluated: 2019-03-20. Review status: criteria provided, single submitter. Criteria: ACMG Guidelines, 2015. Collection method: clinical testing. Allele origin: germline.

NM_007294.4(BRCA1):c.2389G>C (p.Glu797Gln)

Gene: BRCA1 (BRCA1 DNA repair associated; minus strand). Cytogenetic location: 17q21.31.
Variant type: single nucleotide variant.
Coding change: c.2389G>C on transcript NM_007294.4 (MANE Select); coding-DNA position 2389, G replaced by C.
Protein change: p.Glu797Gln; replaces glutamic acid 797 with glutamine.
Molecular consequence: missense variant. On other transcripts: intron variant (137).
Genome position (GRCh38, 1-based): chr17:43,093,142, C>G on the plus strand (G>C on the coding strand, the complement: BRCA1 is on the minus strand). VCF-style: chr17-43093142-C-G. GRCh37 (hg19) VCF-style: chr17-41245159-C-G.
Other names: c.2245G>C, p.Glu749Gln (NM_001407740.1, NM_001407741.1, NM_001407742.1 and 20 more transcripts); c.2248G>C, p.Glu750Gln (NM_001407696.1, NM_001407697.1, NM_001407698.1 and 29 more transcripts); c.2176G>C, p.Glu726Gln (NM_001407853.1, NM_001407894.1, NM_001407895.1 and 9 more transcripts); c.2389G>C, p.Glu797Gln (NM_001407854.1, NM_001407858.1, NM_001407859.1 and 30 more transcripts); c.2386G>C, p.Glu796Gln (NM_001407860.1, NM_001407861.1, NM_001407587.1 and 22 more transcripts); c.2188G>C, p.Glu730Gln (NM_001407862.1); c.2266G>C, p.Glu756Gln (NM_001407863.1, NM_001407919.1, NM_001407937.1 and 19 more transcripts); c.2185G>C, p.Glu729Gln (NM_001407874.1, NM_001407875.1); and 41 more; short protein forms E750Q, E797Q, E708Q, E730Q, E755Q, E756Q, E796Q, E669Q.
Identifiers: ClinVar variation 922667 (VCV000922667.5), dbSNP rs62625306, ClinGen allele CA10597231.